The following is an entry in ClinVar:

ClinVar aggregate classification (germline): Uncertain significance (1 of 4 stars; one submission).

Conditions:
Inborn genetic diseases. Identifiers: MedGen C0950123, MeSH D030342.

gnomAD v4.1: 1 of 1,596,398 alleles (0.000063%); highest among the groups gnomAD compares: Non-Finnish European, 0.000085%; no homozygotes.

Submission:

Ambry Genetics
Classification: Uncertain significance for Inborn genetic diseases. Last evaluated: 2025-11-11. Review status: criteria provided, single submitter. Criteria: Ambry Variant Classification Scheme 2023. Collection method: clinical testing. Allele origin: germline.
Comment: The p.R35G variant (also known as c.103C>G), located in coding exon 2 of the ELANE gene, results from a C to G substitution at nucleotide position 103. The arginine at codon 35 is replaced by glycine, an amino acid with dissimilar properties. This amino acid position is conserved. In addition, this alteration is predicted to be tolerated by in silico analysis. Based on the available evidence, the clinical significance of this variant remains unclear.

NM_001972.4(ELANE):c.103C>G (p.Arg35Gly)

Gene: ELANE (elastase, neutrophil expressed; plus strand). Cytogenetic location: 19p13.3.
Variant type: single nucleotide variant.
Coding change: c.103C>G on transcript NM_001972.4 (MANE Select); coding-DNA position 103, C replaced by G.
Protein change: p.Arg35Gly; replaces arginine 35 with glycine.
Molecular consequence: missense variant.
Genome position (GRCh38, 1-based): chr19:852,911, C>G. VCF-style: chr19-852911-C-G. GRCh37 (hg19) VCF-style: chr19-852911-C-G.
Other names: short protein forms R35G.
Identifiers: ClinVar variation 4618416 (VCV004618416.1).